The following is an entry in ClinVar:

NM_001609.4(ACADSB):c.596A>G (p.Tyr199Cys)

Gene: ACADSB (acyl-CoA dehydrogenase short/branched chain; plus strand). Cytogenetic location: 10q26.13.
Variant type: single nucleotide variant.
Coding change: c.596A>G on transcript NM_001609.4 (MANE Select); coding-DNA position 596, A replaced by G.
Protein change: p.Tyr199Cys; replaces tyrosine 199 with cysteine.
Molecular consequence: missense variant.
Genome position (GRCh38, 1-based): chr10:123,041,294, A>G. VCF-style: chr10-123041294-A-G. GRCh37 (hg19) VCF-style: chr10-124800810-A-G.
Other names: c.290A>G, p.Tyr97Cys (NM_001330174.3); short protein forms Y199C, Y97C.
Identifiers: ClinVar variation 3705813 (VCV003705813.2).

ClinVar aggregate classification (germline): Likely pathogenic (1 of 4 stars; one submission).

Conditions:
Deficiency of 2-methylbutyryl-CoA dehydrogenase (ACADSB). Also called: 2-methylbutyryl-CoA dehydrogenase deficiency; SBCAD deficiency; 2-methylbutyric aciduria; Short branched-chain acyl-CoA dehydrogenase deficiency; 2-methylbutyrylglycinuria. Identifiers: Orphanet 79157, MedGen C1864912, MONDO:0012392, OMIM 610006, HP:0020147.

gnomAD v4.1: 3 of 1,614,200 alleles (0.00019%); highest among the groups gnomAD compares: Non-Finnish European, 0.000085%; no homozygotes.

Submission:

Labcorp Genetics (formerly Invitae), Labcorp
Classification: Likely pathogenic for Deficiency of 2-methylbutyryl-CoA dehydrogenase. Last evaluated: 2024-11-25. Review status: criteria provided, single submitter. Criteria: Invitae Variant Classification Sherloc (09022015). Collection method: clinical testing. Allele origin: germline.
Comment: This sequence change replaces tyrosine, which is neutral and polar, with cysteine, which is neutral and slightly polar, at codon 199 of the ACADSB protein (p.Tyr199Cys). This variant is not present in population databases (gnomAD no frequency). This missense change has been observed in individual(s) with short/branched chain acyl-CoA dehydrogenase deficiency (PMID: 31555323). In at least one individual the data is consistent with being in trans (on the opposite chromosome) from a pathogenic variant. Invitae Evidence Modeling of protein sequence and biophysical properties (such as structural, functional, and spatial information, amino acid conservation, physicochemical variation, residue mobility, and thermodynamic stability) indicates that this missense variant is expected to disrupt ACADSB protein function with a positive predictive value of 95%. In summary, the currently available evidence indicates that the variant is pathogenic, but additional data are needed to prove that conclusively. Therefore, this variant has been classified as Likely Pathogenic.

Literature cited by the submitters: PubMed 31555323.